The following is an entry in ClinVar:

NM_000601.6(HGF):c.1343A>G (p.His448Arg)

Gene: HGF (hepatocyte growth factor; minus strand). Cytogenetic location: 7q21.11.
Variant type: single nucleotide variant.
Coding change: c.1343A>G on transcript NM_000601.6 (MANE Select); coding-DNA position 1343, A replaced by G.
Protein change: p.His448Arg; replaces histidine 448 with arginine.
Molecular consequence: missense variant.
Genome position (GRCh38, 1-based): chr7:81,717,294, T>C on the plus strand (A>G on the coding strand, the complement: HGF is on the minus strand). VCF-style: chr7-81717294-T-C. GRCh37 (hg19) VCF-style: chr7-81346610-T-C.
Other names: c.1328A>G, p.His443Arg (NM_001010932.3); short protein forms H443R, H448R.
Identifiers: ClinVar variation 1120098 (VCV001120098.4), dbSNP rs1789738571, ClinGen allele CA367873856.

ClinVar aggregate classification (germline): Uncertain significance (1 of 4 stars; one submission).

Allele frequency attached by ClinVar (database versions not stated): gnomAD 0.00001.
gnomAD v4.1: 1 of 1,613,382 alleles (0.000062%); highest among the groups gnomAD compares: Non-Finnish European, 0.000085%; no homozygotes.

Submission:

Laboratory for Molecular Medicine, Mass General Brigham Personalized Medicine
Classification: Uncertain significance. Last evaluated: 2020-07-10. Review status: criteria provided, single submitter. Criteria: LMM Criteria. Collection method: clinical testing. Allele origin: germline. Observed: 1 variant allele.
Comment: The p.His448Arg variant in HGF has not been previously reported in individuals with hearing loss and was absent from large population studies. Computational prediction tools and conservation analyses do not provide strong support for or against an impact to the protein. In summary, the clinical significance of this variant is uncertain. ACMG/AMP Criteria applied: PM2.